The following is an entry in ClinVar:

ClinVar aggregate classification (germline): Pathogenic/Likely pathogenic. Review status: criteria provided, multiple submitters, no conflicts (2 of 4 stars). 7 submissions from 7 submitters: Pathogenic (5); Likely pathogenic (1). 1 of the submissions does not count toward it. Last evaluated 2026-02-06.

Conditions:
Hereditary cancer-predisposing syndrome. Also called: Hereditary Cancer Syndrome; Hereditary neoplastic syndrome; Neoplastic Syndromes, Hereditary; Tumor predisposition. Identifiers: Orphanet 140162, MedGen C0027672, MeSH D009386, MONDO:0015356.
CHEK2-related cancer predisposition (TPDS4). Also called: CHEK2-related cancer susceptibility; TUMOR PREDISPOSITION SYNDROME 4; CANCER PREDISPOSITION SYNDROME, CHEK2-RELATED. Identifiers: Orphanet 524, MedGen C5882668, MONDO:0700271, OMIM 609265.
Familial cancer of breast. Also called: hereditary breast carcinoma; BREAST CANCER, FAMILIAL; Hereditary breast cancer. Identifiers: Orphanet 227535, MedGen C0346153, MONDO:0016419, OMIM 114480. Disease mechanism: loss of function.

Allele frequency attached by ClinVar (database versions not stated): TOPMed below 0.00001; gnomAD 0.00001.
gnomAD v4.1: 1 of 1,613,814 alleles (0.000062%); no homozygotes.

Submissions (7):

Institute of Human Genetics, FAU Erlangen, Friedrich-Alexander-Universität Erlangen-Nürnberg
Classification: Pathogenic for CHEK2-related cancer predisposition. Last evaluated: 2026-02-06. Review status: criteria provided, single submitter. Criteria: Hauer et al. (Genet Med. 2018). Collection method: clinical testing. Allele origin: germline. Inheritance: Unknown mechanism. Affected: yes. Observed: 1 variant allele.
Comment: This variant has been identified by standard clinical testing. Selected ACMG criteria: Pathogenic (I):PP5;PM2;PVS1

Labcorp Genetics (formerly Invitae), Labcorp
Classification: Pathogenic for Familial cancer of breast. Last evaluated: 2024-11-05. Review status: criteria provided, single submitter. Criteria: Invitae Variant Classification Sherloc (09022015). Collection method: clinical testing. Allele origin: germline.
Comment: This sequence change creates a premature translational stop signal (p.Gln78*) in the CHEK2 gene. It is expected to result in an absent or disrupted protein product. Loss-of-function variants in CHEK2 are known to be pathogenic (PMID: 21876083, 24713400). This variant is not present in population databases (gnomAD no frequency). This variant has not been reported in the literature in individuals affected with CHEK2-related conditions. ClinVar contains an entry for this variant (Variation ID: 452299). For these reasons, this variant has been classified as Pathogenic.

Ambry Genetics
Classification: Pathogenic for Hereditary cancer-predisposing syndrome. Last evaluated: 2024-08-01. Review status: criteria provided, single submitter. Criteria: Ambry Variant Classification Scheme 2023. Collection method: clinical testing. Allele origin: germline.
Comment: The p.Q78* pathogenic mutation (also known as c.232C>T), located in coding exon 1 of the CHEK2 gene, results from a C to T substitution at nucleotide position 232. This changes the amino acid from a glutamine to a stop codon within coding exon 1. This variant is considered to be rare based on population cohorts in the Genome Aggregation Database (gnomAD). This alteration is expected to result in loss of function by premature protein truncation or nonsense-mediated mRNA decay. As such, this alteration is interpreted as a disease-causing mutation.

Department of Human Genetics, Hannover Medical School
Classification: Pathogenic for CHEK2-related cancer predisposition. Last evaluated: 2024-06-21. Review status: criteria provided, single submitter. Criteria: ACMG Guidelines, 2015. Collection method: clinical testing. Allele origin: germline. Inheritance: Autosomal dominant inheritance. Affected: yes.

Myriad Genetics, Inc.
Classification: Pathogenic for Familial cancer of breast. Last evaluated: 2023-03-08. Review status: criteria provided, single submitter. Criteria: Myriad Autosomal Dominant, Autosomal Recessive and X-Linked Classification Criteria (2023). Collection method: clinical testing. Allele origin: unknown.
Comment: This variant is considered pathogenic. This variant creates a termination codon and is predicted to result in premature protein truncation.

GeneDx
Classification: Likely pathogenic. Last evaluated: 2017-09-21. Review status: criteria provided, single submitter. Criteria: GeneDx Variant Classification (06012015). Collection method: clinical testing. Allele origin: germline. Affected: yes.
Comment: This apparently mosaic likely pathogenic variant is denoted CHEK2 c.232C>T at the cDNA level andp.Gln78Ter (Q78X) at the protein level. The substitution creates a nonsense variant, which changes a Glutamine to apremature stop codon (CAA>TAA), and is predicted to cause loss of normal protein function through either proteintruncation or nonsense-mediated mRNA decay. Although this variant has not, to our knowledge, been reported in theliterature, it is considered likely pathogenic.

Counsyl
Classification: Likely pathogenic for Familial cancer of breast. Last evaluated: 2017-04-27. Review status: no assertion criteria provided. Collection method: clinical testing. Allele origin: unknown. Not counted in ClinVar's aggregate classification.

Literature cited by the submitters: PubMed 21876083 (cited by Labcorp Genetics (formerly Invitae), Labcorp); PubMed 24713400 (cited by Labcorp Genetics (formerly Invitae), Labcorp).

NM_007194.4(CHEK2):c.232C>T (p.Gln78Ter)

Gene: CHEK2 (checkpoint kinase 2; minus strand). Cytogenetic location: 22q12.1.
Variant type: single nucleotide variant.
Coding change: c.232C>T on transcript NM_007194.4 (MANE Select); coding-DNA position 232, C replaced by T.
Protein change: p.Gln78Ter; replaces glutamine 78 with a stop codon.
Molecular consequence: nonsense.
Genome position (GRCh38, 1-based): chr22:28,734,490, G>A on the plus strand (C>T on the coding strand, the complement: CHEK2 is on the minus strand). VCF-style: chr22-28734490-G-A. GRCh37 (hg19) VCF-style: chr22-29130478-G-A.
Other names: c.232C>T, p.Gln78Ter (NM_001005735.3, NM_001349956.3, NM_145862.3); c.-546C>T (NM_001257387.3); short protein forms Q78*.
Identifiers: ClinVar variation 452299 (VCV000452299.21), dbSNP rs1555932341, ClinGen allele CA411090665.